The following is an entry in ClinVar:

NM_003172.4(SURF1):c.533dup (p.Asn178fs)

Gene: SURF1 (SURF1 cytochrome c oxidase assembly factor; minus strand). Cytogenetic location: 9q34.2.
Variant type: Duplication.
Coding change: c.533dup on transcript NM_003172.4 (MANE Select); coding-DNA position 533, one base duplicated (A; older notation c.533dupA).
Protein change: p.Asn178fs; shifts the reading frame from asparagine 178.
Molecular consequence: frameshift variant.
Genome position (GRCh38, 1-based): chr9:133,352,749, T duplicated on the plus strand (A on the coding strand, the reverse complement: SURF1 is on the minus strand); the first of 3 consecutive T bases (chr9:133,352,749-133,352,751); duplicating any one gives the same sequence. VCF-style (leftmost placement, unchanged base first): chr9-133352748-A-AT. GRCh37 (hg19) VCF-style: chr9-136219603-A-AT.
Other names: c.206dup, p.Asn69fs (NM_001280787.1); short protein forms N69fs, N178fs.
Identifiers: ClinVar variation 3007554 (VCV003007554.4), dbSNP rs2490616999, ClinGen allele CA2692339673.

ClinVar aggregate classification (germline): Pathogenic/Likely pathogenic. Review status: criteria provided, multiple submitters, no conflicts (2 of 4 stars). 2 submissions from 2 submitters: Pathogenic (1); Likely pathogenic (1). Last evaluated 2023-12-29.

Conditions:
Mitochondrial complex IV deficiency, nuclear type 1 (MC4DN1). Also called: COX DEFICIENCY; Mitochondrial complex IV deficiency; Complex 4 mitochondrial respiratory chain deficiency; Deficiency of mitochondrial respiratory chain complex4; Complex IV deficiency. Identifiers: MedGen C5435656, MONDO:0700250, OMIM 220110. Disease mechanism: loss of function.
Charcot-Marie-Tooth disease type 4K. Also called: CHARCOT-MARIE-TOOTH DISEASE, DEMYELINATING, TYPE 4K; CHARCOT-MARIE-TOOTH DISEASE, DEMYELINATING, AUTOSOMAL RECESSIVE, TYPE 4K; CHARCOT-MARIE-TOOTH NEUROPATHY, DEMYELINATING, AUTOSOMAL RECESSIVE, TYPE 4K. Identifiers: Orphanet 391351, MedGen C4225246, MONDO:0014733, OMIM 616684.
Leigh syndrome (NULS). Also called: LEIGH SYNDROME, NUCLEAR; Leigh's necrotizing encephalopathy; Leigh's disease; Leigh Syndrome (mtDNA deletion); Leigh's syndrome; Leigh Disease. Identifiers: Orphanet 506, MedGen C2931891, MONDO:0009723, OMIM 256000.

Submissions (2):

Fulgent Genetics
Classification: Likely pathogenic for Mitochondrial complex IV deficiency, nuclear type 1; Charcot-Marie-Tooth disease type 4K. Last evaluated: 2023-12-29. Review status: criteria provided, single submitter. Criteria: ACMG Guidelines, 2015. Collection method: clinical testing. Allele origin: germline.

Labcorp Genetics (formerly Invitae), Labcorp
Classification: Pathogenic for Leigh syndrome. Last evaluated: 2023-10-14. Review status: criteria provided, single submitter. Criteria: Invitae Variant Classification Sherloc (09022015). Collection method: clinical testing. Allele origin: germline.
Comment: This sequence change creates a premature translational stop signal (p.Asn178Lysfs*2) in the SURF1 gene. It is expected to result in an absent or disrupted protein product. Loss-of-function variants in SURF1 are known to be pathogenic (PMID: 10443880, 22488715, 24027061). This variant is not present in population databases (gnomAD no frequency). This variant has not been reported in the literature in individuals affected with SURF1-related conditions. For these reasons, this variant has been classified as Pathogenic.

Literature cited by the submitters: PubMed 10443880 (cited by Labcorp Genetics (formerly Invitae), Labcorp); PubMed 22488715 (cited by Labcorp Genetics (formerly Invitae), Labcorp); PubMed 24027061 (cited by Labcorp Genetics (formerly Invitae), Labcorp).